The following is an entry in ClinVar:

NM_003011.4(SET):c.705T>A (p.Asp235Glu)

Gene: SET (SET nuclear proto-oncogene; plus strand). Cytogenetic location: 9q34.11.
Variant type: single nucleotide variant.
Coding change: c.705T>A on transcript NM_003011.4 (MANE Select); coding-DNA position 705, T replaced by A.
Protein change: p.Asp235Glu; replaces aspartic acid 235 with glutamic acid.
Molecular consequence: missense variant.
Genome position (GRCh38, 1-based): chr9:128,693,937, T>A. VCF-style: chr9-128693937-T-A. GRCh37 (hg19) VCF-style: chr9-131456216-T-A.
Other names: c.744T>A, p.Asp248Glu (NM_001122821.2, NM_001374326.1); c.678T>A, p.Asp226Glu (NM_001248000.2); c.672T>A, p.Asp224Glu (NM_001248001.2); short protein forms D226E, D235E, D224E, D248E.
Identifiers: ClinVar variation 3794570 (VCV003794570.9).

ClinVar aggregate classification (germline): Likely benign. Review status: criteria provided, multiple submitters, no conflicts (2 of 4 stars). 2 submissions from 2 submitters: Likely benign (2). Last evaluated 2025-08-01.

Conditions:
Inborn genetic diseases. Identifiers: MedGen C0950123, MeSH D030342.

gnomAD v4.1: 144 of 1,527,414 alleles (0.0094%); highest among the groups gnomAD compares: East Asian, 0.016%; no homozygotes.

Submissions (2):

CeGaT Center for Human Genetics Tuebingen
Classification: Likely benign. Last evaluated: 2025-08-01. Review status: criteria provided, single submitter. Criteria: CeGaT Center For Human Genetics Tuebingen Variant Classification Criteria Version 2. Collection method: clinical testing. Allele origin: germline. Affected: yes. Observed: 1 variant allele.
Comment: SET: BS1

Ambry Genetics
Classification: Likely benign for Inborn genetic diseases. Last evaluated: 2025-02-01. Review status: criteria provided, single submitter. Criteria: Ambry Variant Classification Scheme 2023. Collection method: clinical testing. Allele origin: germline.